The following is an entry in ClinVar:

NM_212482.4(FN1):c.2506G>C (p.Ala836Pro)

Gene: FN1 (fibronectin 1; minus strand). Cytogenetic location: 2q35.
Variant type: single nucleotide variant.
Coding change: c.2506G>C on transcript NM_212482.4 (MANE Select); coding-DNA position 2506, G replaced by C.
Protein change: p.Ala836Pro; replaces alanine 836 with proline.
Molecular consequence: missense variant.
Genome position (GRCh38, 1-based): chr2:215,408,120, C>G on the plus strand (G>C on the coding strand, the complement: FN1 is on the minus strand). VCF-style: chr2-215408120-C-G. GRCh37 (hg19) VCF-style: chr2-216272843-C-G.
Other names: c.2506G>C, p.Ala836Pro (NM_001365522.2, NM_001365523.2, NM_001365524.2 and 13 more transcripts); short protein forms A836P.
Identifiers: ClinVar variation 1367390 (VCV001367390.8), dbSNP rs564633358, ClinGen allele CA350490844.

ClinVar aggregate classification (germline): Uncertain significance (1 of 4 stars; one submission).

Submission:

Labcorp Genetics (formerly Invitae), Labcorp
Classification: Uncertain significance. Last evaluated: 2021-07-14. Review status: criteria provided, single submitter. Criteria: Invitae Variant Classification Sherloc (09022015). Collection method: clinical testing. Allele origin: germline.
Comment: In summary, the available evidence is currently insufficient to determine the role of this variant in disease. Therefore, it has been classified as a Variant of Uncertain Significance. Algorithms developed to predict the effect of missense changes on protein structure and function are either unavailable or do not agree on the potential impact of this missense change (SIFT: "Not Available"; PolyPhen-2: "Probably Damaging"; Align-GVGD: "Not Available"). This variant has not been reported in the literature in individuals affected with FN1-related conditions. This variant is not present in population databases (ExAC no frequency). This sequence change replaces alanine with proline at codon 836 of the FN1 protein (p.Ala836Pro). The alanine residue is moderately conserved and there is a small physicochemical difference between alanine and proline.